The following is an entry in ClinVar:

ClinVar aggregate classification (germline): Conflicting classifications of pathogenicity. Review status: criteria provided, conflicting classifications (1 of 4 stars). 2 submissions from 2 submitters: Uncertain significance (1); Likely benign (1). Last evaluated 2026-10-01.

Conditions:
Predisposition to Wilms tumor.

Allele frequency attached by ClinVar (database versions not stated): gnomAD 0.00009 and 0.00011; 1000 Genomes Project 30x 0.00016; gnomAD exomes 0.00018 and 0.00091; 1000 Genomes Project 0.00020; TOPMed 0.00040; ExAC 0.00075.
gnomAD v4.1: 266 of 1,613,800 alleles (0.016%); highest among the groups gnomAD compares: Admixed American, 0.44%; no homozygotes.

Submissions (2):

St. Jude Molecular Pathology, St. Jude Children's Research Hospital
Classification: Uncertain significance for Predisposition to Wilms tumor. Last evaluated: 2026-10-01. Review status: criteria provided, single submitter. Criteria: St. Jude Assertion Criteria 2020. Collection method: clinical testing. Allele origin: germline.
Comment: The NYNRIN c.216 1G>C p.(Gly721Arg) missense change has a maximum subpopulation frequency of 0.64% in gnomAD v2.1.1. The in silico tool REVEL predicts a benign effect on protein function, but to our knowledge this prediction has not be en confirmed by functional studies. To our knowledge, this variant has not been reported in individuals with Wilms tumor. In summary, the evidence currently available is insufficient to determine the clinical significance of this variant. It has therefor e been classified as of uncertain significance (VUS-Low).

Labcorp Genetics (formerly Invitae), Labcorp
Classification: Likely benign. Last evaluated: 2026-01-15. Review status: criteria provided, single submitter. Criteria: Invitae Variant Classification Sherloc (09022015). Collection method: clinical testing. Allele origin: germline.

NM_025081.3(NYNRIN):c.2161G>C (p.Gly721Arg)

Gene: NYNRIN (NYN domain and retroviral integrase containing; plus strand). Cytogenetic location: 14q12.
Variant type: single nucleotide variant.
Coding change: c.2161G>C on transcript NM_025081.3 (MANE Select); coding-DNA position 2161, G replaced by C.
Protein change: p.Gly721Arg; replaces glycine 721 with arginine.
Molecular consequence: missense variant.
Genome position (GRCh38, 1-based): chr14:24,409,955, G>C. VCF-style: chr14-24409955-G-C. GRCh37 (hg19) VCF-style: chr14-24879161-G-C.
Other names: short protein forms G721R.
Identifiers: ClinVar variation 720479 (VCV000720479.7), dbSNP rs200984430, ClinGen allele CA7136915.